The following is an entry in ClinVar:

ClinVar aggregate classification (germline): Likely benign (1 of 4 stars; one submission).

Allele frequency attached by ClinVar (database versions not stated): gnomAD exomes 0.00090; 1000 Genomes Project 0.00579; 1000 Genomes Project 30x 0.00593; gnomAD 0.00636 and 0.00694; TOPMed 0.00728.
gnomAD v4.1: 1,300 of 502,820 alleles (0.26%); highest among the groups gnomAD compares: African/African-American, 2.3%; 10 homozygotes.

Submission:

GeneDx
Classification: Likely benign. Last evaluated: 2021-05-13. Review status: criteria provided, single submitter. Criteria: GeneDx Variant Classification Process June 2021. Collection method: clinical testing. Allele origin: germline. Affected: yes.
Comment: See Variant Classification Assertion Criteria.

NM_178554.6(KY):c.*204G>C

Genes: CEP63 (centrosomal protein 63; plus strand), KY (kyphoscoliosis peptidase; minus strand). Cytogenetic location: 3q22.2.
Variant type: single nucleotide variant.
Coding change: c.*204G>C on transcript NM_178554.6 (MANE Select); 204 bases downstream of the stop codon, G replaced by C.
Molecular consequence: 3 prime UTR variant.
Genome position (GRCh38, 1-based): chr3:134,603,375, C>G on the plus strand (G>C on the coding strand, the complement: KY is on the minus strand). VCF-style: chr3-134603375-C-G. GRCh37 (hg19) VCF-style: chr3-134322217-C-G.
Other names: c.*204G>C (NM_001350859.2, NM_001366276.1).
Identifiers: ClinVar variation 1683805 (VCV001683805.2), dbSNP rs6800742, ClinGen allele CA83751960.